The following is an entry in ClinVar:

NM_000179.3(MSH6):c.1794A>G (p.Lys598=)

Gene: MSH6 (mutS homolog 6; plus strand). Cytogenetic location: 2p16.3.
Variant type: single nucleotide variant.
Coding change: c.1794A>G on transcript NM_000179.3 (MANE Select); coding-DNA position 1794, A replaced by G.
Protein change: p.Lys598=; no amino-acid change (lysine 598 retained).
Molecular consequence: synonymous variant.
Genome position (GRCh38, 1-based): chr2:47,799,777, A>G. VCF-style: chr2-47799777-A-G. GRCh37 (hg19) VCF-style: chr2-48026916-A-G.
Other names: c.1404A>G, p.Lys468= (NM_001281492.2); c.888A>G, p.Lys296= (NM_001281493.2, NM_001281494.2).
Identifiers: ClinVar variation 183993 (VCV000183993.23), dbSNP rs786201210, ClinGen allele CA009223.
Genomic context (GRCh38, chr2:47,799,777, plus strand): 5'-TTGTTCGAGATTTAGGACTCTAGTGGCACACTATCCCCCAGTACAAGTTTTATTTGAAAA[A>G]GGAAATCTCTCAAAGGAAACTAAAACAATTCTAAAGAGTTCATTGTCCTGTTCTCTTCAG-3'
Protein context (NP_000170.1, residues 588-608): HYPPVQVLFE[Lys598=]GNLSKETKTI

ClinVar aggregate classification (germline): Conflicting classifications of pathogenicity. Review status: criteria provided, conflicting classifications (1 of 4 stars). 8 submissions from 8 submitters: Uncertain significance (1); Benign (1); Likely benign (6). Last evaluated 2025-09-02.

Conditions:
Hereditary cancer-predisposing syndrome. Also called: Tumor predisposition; Hereditary Cancer Syndrome; Hereditary neoplastic syndrome; Neoplastic Syndromes, Hereditary. Identifiers: Orphanet 140162, MedGen C0027672, MeSH D009386, MONDO:0015356.
Hereditary nonpolyposis colorectal neoplasms. Identifiers: MedGen C0009405, MeSH D003123.
Lynch syndrome. Identifiers: Orphanet 144, MedGen C4552100, MONDO:0005835. Disease mechanism: loss of function.
Lynch syndrome 5 (LYNCH5). Also called: Colorectal cancer, hereditary nonpolyposis, type 5; Hereditary non-polyposis colorectal cancer, type 5. Identifiers: Orphanet 144, MedGen C1833477, MONDO:0013710, OMIM 614350. Disease mechanism: loss of function.

Allele frequency attached by ClinVar (database versions not stated): gnomAD exomes below 0.00001; TOPMed below 0.00001.
gnomAD v4.1: 4 of 1,614,222 alleles (0.00025%); highest among the groups gnomAD compares: Non-Finnish European, 0.00034%; no homozygotes.

Submissions (8):

Labcorp Genetics (formerly Invitae), Labcorp
Classification: Likely benign for Hereditary nonpolyposis colorectal neoplasms. Last evaluated: 2025-09-02. Review status: criteria provided, single submitter. Criteria: Invitae Variant Classification Sherloc (09022015). Collection method: clinical testing. Allele origin: germline.

Myriad Genetics, Inc.
Classification: Benign for Lynch syndrome 5. Last evaluated: 2024-12-27. Review status: criteria provided, single submitter. Criteria: Myriad Autosomal Dominant, Autosomal Recessive and X-Linked Classification Criteria (2023). Collection method: clinical testing. Allele origin: unknown.
Comment: This variant is considered benign. This variant is a silent/synonymous amino acid change and it is not expected to impact splicing.

Women's Health and Genetics/Laboratory Corporation of America, LabCorp
Classification: Likely benign. Last evaluated: 2024-12-06. Review status: criteria provided, single submitter. Criteria: LabCorp Variant Classification Summary - May 2015. Collection method: clinical testing. Allele origin: germline.

Quest Diagnostics Nichols Institute San Juan Capistrano
Classification: Uncertain significance. Last evaluated: 2024-07-29. Review status: criteria provided, single submitter. Criteria: Quest Diagnostics criteria. Collection method: clinical testing. Allele origin: unknown.
Comment: The MSH6 c.1794A>G (p.Lys598=) synonymous variant has not been reported in individuals with MSH6-related conditions in the published literature. It also has not been reported in large, multi-ethnic general populations (Genome Aggregation Database). Analysis of this variant using software algorithms for the prediction of the effect of nucleotide changes on splicing yielded predictions that this variant does not affect MSH6 mRNA splicing. Based on the available information, we are unable to determine the clinical significance of this variant.

All of Us Research Program, National Institutes of Health
Classification: Likely benign for Lynch syndrome. Last evaluated: 2023-11-20. Review status: criteria provided, single submitter. Criteria: ACMG Guidelines, 2015. Collection method: clinical testing. Allele origin: germline. Inheritance: Autosomal dominant inheritance. Observed: 2 variant alleles, 2 heterozygotes.
Comment: This study involves interpretation of variants in research participants for the purpose of population health screening. Participant phenotype was not available at the time of variant classification. Additional details can be found in publication PMID: 35346344, PMCID: PMC8962531

GeneDx
Classification: Likely benign. Last evaluated: 2019-06-28. Review status: criteria provided, single submitter. Criteria: GeneDx Variant Classification Process June 2021. Collection method: clinical testing. Allele origin: germline. Affected: yes.

Color Diagnostics, LLC DBA Color Health
Classification: Likely benign for Hereditary cancer-predisposing syndrome. Last evaluated: 2017-10-28. Review status: criteria provided, single submitter. Criteria: ACMG Guidelines, 2015. Collection method: clinical testing. Allele origin: germline.

Ambry Genetics
Classification: Likely benign for Hereditary cancer-predisposing syndrome. Last evaluated: 2015-07-30. Review status: criteria provided, single submitter. Criteria: Ambry Variant Classification Scheme 2023. Collection method: clinical testing. Allele origin: germline.